The following is an entry in ClinVar:

NM_170784.3(MKKS):c.30A>T (p.Ser10=)

Gene: MKKS (MKKS centrosomal shuttling protein; minus strand). Cytogenetic location: 20p12.2.
Variant type: single nucleotide variant.
Coding change: c.30A>T on transcript NM_170784.3 (MANE Select); coding-DNA position 30, A replaced by T.
Protein change: p.Ser10=; no amino-acid change (serine 10 retained).
Molecular consequence: synonymous variant.
Genome position (GRCh38, 1-based): chr20:10,413,485, T>A on the plus strand (A>T on the coding strand, the complement: MKKS is on the minus strand). VCF-style: chr20-10413485-T-A. GRCh37 (hg19) VCF-style: chr20-10394133-T-A.
Other names: c.30A>T, p.Ser10= (NM_018848.3).
Identifiers: ClinVar variation 1085399 (VCV001085399.10), dbSNP rs752207403, ClinGen allele CA9763757.

ClinVar aggregate classification (germline): Likely benign. Review status: criteria provided, single submitter (1 of 4 stars). 2 submissions from 2 submitters: Likely benign (1). 1 of the submissions does not count toward it. Last evaluated 2024-03-03.

Conditions:
MKKS-related disorder. Also called: MKKS-related condition; MKKS-related disorders.
Bardet-Biedl syndrome (BBS). Identifiers: Orphanet 110, MedGen C0752166, MONDO:0015229.
McKusick-Kaufman syndrome (MKKS). Also called: HYDROMETROCOLPOS SYNDROME; HYDROMETROCOLPOS, POSTAXIAL POLYDACTYLY, AND CONGENITAL HEART MALFORMATION. Identifiers: Orphanet 2473, MedGen C0948368, MONDO:0009367, OMIM 236700.

Allele frequency attached by ClinVar (database versions not stated): ExAC 0.00001; gnomAD 0.00001; gnomAD exomes 0.00001 and below 0.00001; TOPMed 0.00001.
gnomAD v4.1: 21 of 1,614,118 alleles (0.0013%); highest among the groups gnomAD compares: Non-Finnish European, 0.0018%; no homozygotes.

Submissions (2):

Labcorp Genetics (formerly Invitae), Labcorp
Classification: Likely benign for McKusick-Kaufman syndrome; Bardet-Biedl syndrome. Last evaluated: 2024-03-03. Review status: criteria provided, single submitter. Criteria: Invitae Variant Classification Sherloc (09022015). Collection method: clinical testing. Allele origin: germline.

PreventionGenetics, part of Exact Sciences
Classification: Likely benign for MKKS-related condition. Last evaluated: 2021-09-01. Review status: no assertion criteria provided. Collection method: clinical testing. Allele origin: germline. Not counted in ClinVar's aggregate classification.
Comment: This variant is classified as likely benign based on ACMG/AMP sequence variant interpretation guidelines (Richards et al. 2015 PMID: 25741868, with internal and published modifications).